The following is an entry in ClinVar:

NM_052964.4(CLNK):c.724A>G (p.Ile242Val)

Gene: CLNK (cytokine dependent hematopoietic cell linker; minus strand). Cytogenetic location: 4p16.1.
Variant type: single nucleotide variant.
Coding change: c.724A>G on transcript NM_052964.4 (MANE Select); coding-DNA position 724, A replaced by G.
Protein change: p.Ile242Val; replaces isoleucine 242 with valine.
Molecular consequence: missense variant.
Genome position (GRCh38, 1-based): chr4:10,525,848, T>C on the plus strand (A>G on the coding strand, the complement: CLNK is on the minus strand). VCF-style: chr4-10525848-T-C. GRCh37 (hg19) VCF-style: chr4-10527472-T-C.
Other names: short protein forms I242V.
Identifiers: ClinVar variation 3043844 (VCV003043844.2), dbSNP rs189581402, ClinGen allele CA2859244.
Genomic context (GRCh38, chr4:10,525,848, plus strand): 5'-ACATGGCCTGACCCCTCAGCCTCAGACCTGAGAAAGGATTCCTGGCTCCTTACCTGCTAA[T>C]GGCAAGTGGAATCTCTTGAGTATTTTGGTTTTCTAACAGATGAGTTGATTCAGGCTTCCT-3'
Protein context (NP_443196.2, residues 232-252): NQNTQEIPLA[Ile242Val]SSSSFTTSNH

ClinVar aggregate classification (germline): Likely benign (0 of 4 stars; one submission).

Conditions:
CLNK-related disorder. Also called: CLNK-related condition.

Allele frequency attached by ClinVar (database versions not stated): gnomAD 0.00157; gnomAD exomes 0.00015; 1000 Genomes Project 30x 0.00078; 1000 Genomes Project 0.00080; ExAC 0.00108; ESP Exome Variant Server 0.00152.
gnomAD v4.1: 458 of 1,578,220 alleles (0.029%); highest among the groups gnomAD compares: African/African-American, 0.53%; 1 homozygote.

Submission:

PreventionGenetics, part of Exact Sciences
Classification: Likely benign for CLNK-related condition. Last evaluated: 2023-02-28. Review status: no assertion criteria provided. Collection method: clinical testing. Allele origin: germline.
Comment: This variant is classified as likely benign based on ACMG/AMP sequence variant interpretation guidelines (Richards et al. 2015 PMID: 25741868, with internal and published modifications).